The following is an entry in ClinVar:

ClinVar aggregate classification (germline): Uncertain significance (1 of 4 stars; one submission).

Submission:

GeneDx
Classification: Uncertain significance. Last evaluated: 2023-05-17. Review status: criteria provided, single submitter. Criteria: GeneDx Variant Classification Process June 2021. Collection method: clinical testing. Allele origin: germline. Affected: yes.
Comment: Not observed at significant frequency in large population cohorts (gnomAD); In silico analysis supports a deleterious effect on protein structure/function; Has not been previously published as pathogenic or benign to our knowledge

NM_000141.5(FGFR2):c.1886_1887delinsTT (p.Ala629Val)

Gene: FGFR2 (fibroblast growth factor receptor 2; minus strand). Cytogenetic location: 10q26.13.
Variant type: Indel.
Coding change: c.1886_1887delinsTT on transcript NM_000141.5 (MANE Select); coding-DNA positions 1886 to 1887, CC replaced by TT.
Protein change: p.Ala629Val; replaces alanine 629 with valine.
Molecular consequence: missense variant. On other transcripts: non-coding transcript variant (1).
Genome position (GRCh38, 1-based): chr10:121,488,090-121,488,091, GG replaced by AA on the plus strand (CC replaced by TT on the coding strand, the reverse complement: FGFR2 is on the minus strand). VCF-style: chr10-121488090-GG-AA. GRCh37 (hg19) VCF-style: chr10-123247604-GG-AA.
Other names: c.1886_1887delCCinsTT, p.Ala629Val (NM_000141.4); c.1889_1890delinsTT, p.Ala630Val (NM_001144913.1, NM_022970.4); c.1550_1551delinsTT, p.Ala517Val (NM_001144914.1); c.1619_1620delinsTT, p.Ala540Val (NM_001144915.2); c.1541_1542delinsTT, p.Ala514Val (NM_001144916.2); c.1538_1539delinsTT, p.Ala513Val (NM_001144917.2); c.1535_1536delinsTT, p.Ala512Val (NM_001144918.2); c.1622_1623delinsTT, p.Ala541Val (NM_001144919.2); and 3 more; short protein forms A401V, A512V, A513V, A514V, A517V, A540V, A541V, A627V.
Identifiers: ClinVar variation 3343751 (VCV003343751.1).